The following is an entry in ClinVar:

ClinVar aggregate classification (germline): Uncertain significance (1 of 4 stars; one submission).

Submission:

Labcorp Genetics (formerly Invitae), Labcorp
Classification: Uncertain significance. Last evaluated: 2023-03-16. Review status: criteria provided, single submitter. Criteria: Invitae Variant Classification Sherloc (09022015). Collection method: clinical testing. Allele origin: germline.
Comment: This sequence change affects codon 2030 of the FLNB mRNA. It is a 'silent' change, meaning that it does not change the encoded amino acid sequence of the FLNB protein. It affects a nucleotide within the consensus splice site. This variant is present in population databases (no rsID available, gnomAD 0.003%). This variant has not been reported in the literature in individuals affected with FLNB-related conditions. Algorithms developed to predict the effect of sequence changes on RNA splicing suggest that this variant may create or strengthen a splice site. In summary, the available evidence is currently insufficient to determine the role of this variant in disease. Therefore, it has been classified as a Variant of Uncertain Significance.

NM_001457.4(FLNB):c.6090A>C (p.Ala2030=)

Gene: FLNB (filamin B; plus strand). Cytogenetic location: 3p14.3.
Variant type: single nucleotide variant.
Coding change: c.6090A>C on transcript NM_001457.4 (MANE Select); coding-DNA position 6090, A replaced by C.
Protein change: p.Ala2030=; no amino-acid change (alanine 2030 retained).
Molecular consequence: synonymous variant.
Genome position (GRCh38, 1-based): chr3:58,148,851, A>C. VCF-style: chr3-58148851-A-C. GRCh37 (hg19) VCF-style: chr3-58134578-A-C.
Other names: c.6183A>C, p.Ala2061= (NM_001164317.2); c.6057A>C, p.Ala2019= (NM_001164318.2); c.6018A>C, p.Ala2006= (NM_001164319.2).
Identifiers: ClinVar variation 2868744 (VCV002868744.3), dbSNP rs1156236452, ClinGen allele CA434042492.